The following is an entry in ClinVar:

NM_003722.5(TP63):c.1350-6290C>T

Gene: TP63 (tumor protein p63; plus strand). Cytogenetic location: 3q28.
Variant type: single nucleotide variant.
Coding change: c.1350-6290C>T on transcript NM_003722.5 (MANE Select); 6290 bases into the intron before coding-DNA position 1350, C replaced by T.
Molecular consequence: intron variant. On other transcripts: missense variant (2).
Genome position (GRCh38, 1-based): chr3:189,880,104, C>T. VCF-style: chr3-189880104-C-T. GRCh37 (hg19) VCF-style: chr3-189597893-C-T.
Other names: c.1390C>T, p.Arg464Trp (NM_001114979.2); c.1108C>T, p.Arg370Trp (NM_001114982.2); c.1344-6290C>T (NM_001329964.2); c.1350-6290C>T (NM_001114978.2, NM_001329144.2); c.1338-6290C>T (NM_001329148.2); c.1068-6290C>T (NM_001114980.2, NM_001114981.2, NM_001329145.2); c.1056-6290C>T (NM_001329149.2); c.813-6290C>T (NM_001329146.2); and 1 more; short protein forms R370W, R464W.
Identifiers: ClinVar variation 3340718 (VCV003340718.1).

ClinVar aggregate classification (germline): Uncertain significance (1 of 4 stars; one submission).

gnomAD v4.1: 88 of 1,613,726 alleles (0.0055%); highest among the groups gnomAD compares: Admixed American, 0.0067%; no homozygotes.

Submission:

GeneDx
Classification: Uncertain significance. Last evaluated: 2023-05-26. Review status: criteria provided, single submitter. Criteria: GeneDx Variant Classification Process June 2021. Collection method: clinical testing. Allele origin: germline. Affected: yes.
Comment: Reported in a patient with orofacial clefting in published literature (Khandelwal et al., 2019); In silico analysis supports that this variant does not alter splicing; Reported using an alternate transcript of the gene; This variant is associated with the following publications: (PMID: 30850703)